The following is an entry in ClinVar:

NM_004046.6(ATP5F1A):c.217C>T (p.Arg73Cys)

Gene: ATP5F1A (ATP synthase F1 subunit alpha; minus strand). Cytogenetic location: 18q21.1.
Variant type: single nucleotide variant.
Coding change: c.217C>T on transcript NM_004046.6 (MANE Select); coding-DNA position 217, C replaced by T.
Protein change: p.Arg73Cys; replaces arginine 73 with cysteine.
Molecular consequence: missense variant.
Genome position (GRCh38, 1-based): chr18:46,091,774, G>A on the plus strand (C>T on the coding strand, the complement: ATP5F1A is on the minus strand). VCF-style: chr18-46091774-G-A. GRCh37 (hg19) VCF-style: chr18-43671740-G-A.
Other names: c.67C>T, p.Arg23Cys (NM_001001935.3, NM_001257335.2); c.217C>T, p.Arg73Cys (NM_001001937.2, NM_001257334.2); short protein forms R23C, R73C.
Identifiers: ClinVar variation 3636773 (VCV003636773.2).

ClinVar aggregate classification (germline): Uncertain significance (1 of 4 stars; one submission).

gnomAD v4.1: 30 of 1,613,550 alleles (0.0019%); highest among the groups gnomAD compares: African/African-American, 0.0067%; no homozygotes.

Submission:

Labcorp Genetics (formerly Invitae), Labcorp
Classification: Uncertain significance. Last evaluated: 2024-04-10. Review status: criteria provided, single submitter. Criteria: Invitae Variant Classification Sherloc (09022015). Collection method: clinical testing. Allele origin: germline.
Comment: This sequence change replaces arginine, which is basic and polar, with cysteine, which is neutral and slightly polar, at codon 73 of the ATP5A1 protein (p.Arg73Cys). This variant is present in population databases (rs776215108, gnomAD 0.01%). This variant has not been reported in the literature in individuals affected with ATP5A1-related conditions. Advanced modeling of protein sequence and biophysical properties (such as structural, functional, and spatial information, amino acid conservation, physicochemical variation, residue mobility, and thermodynamic stability) performed at Invitae indicates that this missense variant is not expected to disrupt ATP5A1 protein function with a negative predictive value of 80%. In summary, the available evidence is currently insufficient to determine the role of this variant in disease. Therefore, it has been classified as a Variant of Uncertain Significance.